The following is an entry in ClinVar:

ClinVar aggregate classification (germline): Pathogenic/Likely pathogenic. Review status: criteria provided, multiple submitters, no conflicts (2 of 4 stars). 3 submissions from 3 submitters: Pathogenic (1); Likely pathogenic (2). Last evaluated 2026-07-18.

Conditions:
Joubert syndrome 2 (JBTS2). Also called: CEREBELLOOCULORENAL SYNDROME 2. Identifiers: Orphanet 2318, MedGen C1842577, MONDO:0011963, OMIM 608091.
TMEM216-related disorder. Also called: TMEM216-related condition; TMEM216-related disorders.

Allele frequency attached by ClinVar (database versions not stated): gnomAD 0.00001; TOPMed 0.00001.

Submissions (3):

PreventionGenetics, part of Exact Sciences
Classification: Likely pathogenic for TMEM216-related condition. Last evaluated: 2026-07-18. Review status: criteria provided, single submitter. Criteria: ACMG Guidelines, 2015. Collection method: clinical testing. Allele origin: germline.
Comment: The TMEM216 c.191delT variant is predicted to result in a frameshift and premature protein termination (p.Leu64Profs*8). To our knowledge, this variant has not been reported in the literature. This variant is absent in a large population database (gnomAD), indicating this variant is rare. Frameshift variants in TMEM216 are an established mechanism of disease. This variant is interpreted as likely pathogenic.

Baylor Genetics
Classification: Likely pathogenic for Joubert syndrome 2. Last evaluated: 2023-10-12. Review status: criteria provided, single submitter. Criteria: ACMG Guidelines, 2015. Collection method: clinical testing. Allele origin: unknown.

CeGaT Center for Human Genetics Tuebingen
Classification: Pathogenic. Last evaluated: 2021-04-01. Review status: criteria provided, single submitter. Criteria: CeGaT Center For Human Genetics Tuebingen Variant Classification Criteria Version 2. Collection method: clinical testing. Allele origin: germline. Affected: yes. Observed: 1 variant allele.

NM_001173990.3(TMEM216):c.191del (p.Leu64fs)

Gene: TMEM216 (transmembrane protein 216; plus strand). Cytogenetic location: 11q12.2.
Variant type: Deletion.
Coding change: c.191del on transcript NM_001173990.3 (MANE Select); coding-DNA position 191, one base deleted (T; older notation c.191delT).
Protein change: p.Leu64fs; shifts the reading frame from leucine 64.
Molecular consequence: frameshift variant.
Genome position (GRCh38, 1-based): chr11:61,393,938, T deleted. VCF-style (leftmost placement, unchanged base first): chr11-61393937-CT-C. GRCh37 (hg19) VCF-style: chr11-61161409-CT-C.
Other names: c.191del, p.Leu64fs (NM_001173991.3); c.8del, p.Leu3fs (NM_001330285.2, NM_016499.6); c.191delT (NM_001173991.2); short protein forms L3fs, L64fs.
Identifiers: ClinVar variation 1176283 (VCV001176283.37), dbSNP rs1858737558, ClinGen allele CA938604573.